The following is an entry in ClinVar:

ClinVar aggregate classification (germline): Uncertain significance (1 of 4 stars; one submission).

Submission:

Ambry Genetics
Classification: Uncertain significance. Last evaluated: 2022-04-29. Review status: criteria provided, single submitter. Criteria: Ambry Variant Classification Scheme 2023. Collection method: clinical testing. Allele origin: germline.
Comment: The p.A1163T variant (also known as c.3487G>A), located in coding exon 4 of the ALPK2 gene, results from a G to A substitution at nucleotide position 3487. The alanine at codon 1163 is replaced by threonine, an amino acid with similar properties. This amino acid position is conserved. In addition, this alteration is predicted to be tolerated by in silico analysis. Since supporting evidence is limited at this time, the clinical significance of this alteration remains unclear.

NM_052947.4(ALPK2):c.3487G>A (p.Ala1163Thr)

Gene: ALPK2 (alpha kinase 2; minus strand). Cytogenetic location: 18q21.31.
Variant type: single nucleotide variant.
Coding change: c.3487G>A on transcript NM_052947.4 (MANE Select); coding-DNA position 3487, G replaced by A.
Protein change: p.Ala1163Thr; replaces alanine 1163 with threonine.
Molecular consequence: missense variant.
Genome position (GRCh38, 1-based): chr18:58,536,700, C>T on the plus strand (G>A on the coding strand, the complement: ALPK2 is on the minus strand). VCF-style: chr18-58536700-C-T. GRCh37 (hg19) VCF-style: chr18-56203932-C-T.
Other names: short protein forms A1163T.
Identifiers: ClinVar variation 1731884 (VCV001731884.2), dbSNP rs2518876400, ClinGen allele CA402566712.